The following is an entry in ClinVar:

ClinVar aggregate classification (germline): Uncertain significance (1 of 4 stars; one submission).

Conditions:
Inborn genetic diseases. Identifiers: MedGen C0950123, MeSH D030342.

Submission:

Ambry Genetics
Classification: Uncertain significance for Inborn genetic diseases. Last evaluated: 2026-06-08. Review status: criteria provided, single submitter. Criteria: Ambry Variant Classification Scheme 2023. Collection method: clinical testing. Allele origin: germline.
Comment: The p.P504A variant (also known as c.1510C>G), located in coding exon 9 of the ERCC6L2 gene, results from a C to G substitution at nucleotide position 1510. The proline at codon 504 is replaced by alanine, an amino acid with highly similar properties. This amino acid position is conserved. In addition, the in silico prediction for this alteration is inconclusive. Based on the available evidence, the clinical significance of this variant remains unclear.

NM_020207.7(ERCC6L2):c.1510C>G (p.Pro504Ala)

Gene: ERCC6L2 (ERCC excision repair 6 like 2; plus strand). Cytogenetic location: 9q22.32.
Variant type: single nucleotide variant.
Coding change: c.1510C>G on transcript NM_020207.7 (MANE Select); coding-DNA position 1510, C replaced by G.
Protein change: p.Pro504Ala; replaces proline 504 with alanine.
Molecular consequence: missense variant. On other transcripts: non-coding transcript variant (1).
Genome position (GRCh38, 1-based): chr9:95,923,356, C>G. VCF-style: chr9-95923356-C-G. GRCh37 (hg19) VCF-style: chr9-98685638-C-G.
Other names: c.1510C>G, p.Pro504Ala (NM_001010895.4, NM_001375291.1, NM_001375292.1 and 2 more transcripts); short protein forms P504A.
Identifiers: ClinVar variation 4870629 (VCV004870629.1).